The following is an entry in ClinVar:

ClinVar aggregate classification (germline): Benign/Likely benign. Review status: criteria provided, multiple submitters, no conflicts (2 of 4 stars). 3 submissions from 3 submitters: Benign (1); Likely benign (1). 1 of the submissions does not count toward it. Last evaluated 2025-11-23.

Conditions:
Kabuki syndrome. Also called: Kabuki make-up syndrome; NIIKAWA-KUROKI SYNDROME. Identifiers: Orphanet 2322, MedGen C0796004, MONDO:0016512.
KMT2D-related disorder. Also called: KMT2D-Related Disorders.

Allele frequency attached by ClinVar (database versions not stated): gnomAD exomes 0.00001 and 0.00004; ExAC 0.00003; gnomAD 0.00015 and 0.00016; TOPMed 0.00017; ESP Exome Variant Server 0.00025.
gnomAD v4.1: 40 of 1,612,582 alleles (0.0025%); highest among the groups gnomAD compares: African/African-American, 0.051%; no homozygotes.

Submissions (3):

Labcorp Genetics (formerly Invitae), Labcorp
Classification: Likely benign for Kabuki syndrome. Last evaluated: 2025-11-23. Review status: criteria provided, single submitter. Criteria: Invitae Variant Classification Sherloc (09022015). Collection method: clinical testing. Allele origin: germline.

Athena Diagnostics
Classification: Benign. Last evaluated: 2018-08-08. Review status: criteria provided, single submitter. Criteria: Athena Diagnostics Criteria. Collection method: clinical testing. Allele origin: germline.

PreventionGenetics, part of Exact Sciences
Classification: Likely benign for KMT2D-related condition. Last evaluated: 2021-09-01. Review status: no assertion criteria provided. Collection method: clinical testing. Allele origin: germline. Not counted in ClinVar's aggregate classification.
Comment: This variant is classified as likely benign based on ACMG/AMP sequence variant interpretation guidelines (Richards et al. 2015 PMID: 25741868, with internal and published modifications).

NM_003482.4(KMT2D):c.14193G>A (p.Glu4731=)

Gene: KMT2D (lysine methyltransferase 2D; minus strand). Cytogenetic location: 12q13.12.
Variant type: single nucleotide variant.
Coding change: c.14193G>A on transcript NM_003482.4 (MANE Select); coding-DNA position 14193, G replaced by A.
Protein change: p.Glu4731=; no amino-acid change (glutamic acid 4731 retained).
Molecular consequence: synonymous variant.
Genome position (GRCh38, 1-based): chr12:49,029,119, C>T on the plus strand (G>A on the coding strand, the complement: KMT2D is on the minus strand). VCF-style: chr12-49029119-C-T. GRCh37 (hg19) VCF-style: chr12-49422902-C-T.
Identifiers: ClinVar variation 586148 (VCV000586148.14), dbSNP rs368920289, ClinGen allele CA6545810.